The following is an entry in ClinVar:

NM_001103.4(ACTN2):c.1255+15G>A

Gene: ACTN2 (actinin alpha 2; plus strand). Cytogenetic location: 1q43.
Variant type: single nucleotide variant.
Coding change: c.1255+15G>A on transcript NM_001103.4 (MANE Select); 15 bases into the intron after coding-DNA position 1255, G replaced by A.
Molecular consequence: intron variant.
Genome position (GRCh38, 1-based): chr1:236,743,058, G>A. VCF-style: chr1-236743058-G-A. GRCh37 (hg19) VCF-style: chr1-236906358-G-A.
Other names: c.631+15G>A (NM_001278344.2); c.1255+15G>A (NM_001278343.2).
Identifiers: ClinVar variation 512820 (VCV000512820.1), dbSNP rs752986074, ClinGen allele CA1473085.

ClinVar aggregate classification (germline): Likely benign (1 of 4 stars; one submission).

Allele frequency attached by ClinVar (database versions not stated): gnomAD exomes below 0.00001; ExAC 0.00001; gnomAD 0.00004 and 0.00003; TOPMed 0.00001.
gnomAD v4.1: 7 of 1,613,898 alleles (0.00043%); highest among the groups gnomAD compares: African/African-American, 0.0053%; no homozygotes.

Submission:

GeneDx
Classification: Likely benign. Last evaluated: 2017-10-23. Review status: criteria provided, single submitter. Criteria: GeneDx Variant Classification (06012015). Collection method: clinical testing. Allele origin: germline. Affected: yes.
Comment: This variant is considered likely benign or benign based on one or more of the following criteria: it is a conservative change, it occurs at a poorly conserved position in the protein, it is predicted to be benign by multiple in silico algorithms, and/or has population frequency not consistent with disease.